The following is an entry in ClinVar:

NM_001098511.3(KIF2A):c.1319A>G (p.Gln440Arg)

Gene: KIF2A (kinesin family member 2A; plus strand). Cytogenetic location: 5q12.1.
Variant type: single nucleotide variant.
Coding change: c.1319A>G on transcript NM_001098511.3 (MANE Select); coding-DNA position 1319, A replaced by G.
Protein change: p.Gln440Arg; replaces glutamine 440 with arginine.
Molecular consequence: missense variant.
Genome position (GRCh38, 1-based): chr5:62,363,751, A>G. VCF-style: chr5-62363751-A-G. GRCh37 (hg19) VCF-style: chr5-61659578-A-G.
Other names: c.1238A>G, p.Gln413Arg (NM_001243952.2); c.1262A>G, p.Gln421Arg (NM_001243953.2); c.1319A>G, p.Gln440Arg (NM_004520.5); short protein forms Q413R, Q421R, Q440R.
Identifiers: ClinVar variation 2769044 (VCV002769044.3), dbSNP rs2531357964, ClinGen allele CA359951324.

ClinVar aggregate classification (germline): Uncertain significance (1 of 4 stars; one submission).

Submission:

Labcorp Genetics (formerly Invitae), Labcorp
Classification: Uncertain significance. Last evaluated: 2023-10-16. Review status: criteria provided, single submitter. Criteria: Invitae Variant Classification Sherloc (09022015). Collection method: clinical testing. Allele origin: germline.
Comment: This sequence change replaces glutamine, which is neutral and polar, with arginine, which is basic and polar, at codon 440 of the KIF2A protein (p.Gln440Arg). This variant is not present in population databases (gnomAD no frequency). This variant has not been reported in the literature in individuals affected with KIF2A-related conditions. An algorithm developed to predict the effect of missense changes on protein structure and function (PolyPhen-2) suggests that this variant is likely to be disruptive. In summary, the available evidence is currently insufficient to determine the role of this variant in disease. Therefore, it has been classified as a Variant of Uncertain Significance.